The following is an entry in ClinVar:

ClinVar aggregate classification (germline): Uncertain significance. Review status: criteria provided, multiple submitters, no conflicts (2 of 4 stars). 2 submissions from 2 submitters: Uncertain significance (2). Last evaluated 2023-03-02.

Conditions:
Hereditary cancer-predisposing syndrome. Also called: Hereditary neoplastic syndrome; Tumor predisposition; Neoplastic Syndromes, Hereditary; Hereditary Cancer Syndrome. Identifiers: Orphanet 140162, MedGen C0027672, MeSH D009386, MONDO:0015356.
Hereditary nonpolyposis colorectal neoplasms. Identifiers: MedGen C0009405, MeSH D003123.

Submissions (2):

Labcorp Genetics (formerly Invitae), Labcorp
Classification: Uncertain significance for Hereditary nonpolyposis colorectal neoplasms. Last evaluated: 2023-03-02. Review status: criteria provided, single submitter. Criteria: Invitae Variant Classification Sherloc (09022015). Collection method: clinical testing. Allele origin: germline.
Comment: This sequence change replaces tyrosine, which is neutral and polar, with histidine, which is basic and polar, at codon 850 of the MSH6 protein (p.Tyr850His). In summary, the available evidence is currently insufficient to determine the role of this variant in disease. Therefore, it has been classified as a Variant of Uncertain Significance. Advanced modeling of protein sequence and biophysical properties (such as structural, functional, and spatial information, amino acid conservation, physicochemical variation, residue mobility, and thermodynamic stability) has been performed at Invitae for this missense variant, however the output from this modeling did not meet the statistical confidence thresholds required to predict the impact of this variant on MSH6 protein function. ClinVar contains an entry for this variant (Variation ID: 570125). This variant has not been reported in the literature in individuals affected with MSH6-related conditions. This variant is not present in population databases (gnomAD no frequency).

Ambry Genetics
Classification: Uncertain significance for Hereditary cancer-predisposing syndrome. Last evaluated: 2021-08-23. Review status: criteria provided, single submitter. Criteria: Ambry Variant Classification Scheme 2023. Collection method: clinical testing. Allele origin: germline.
Comment: The p.Y850H variant (also known as c.2548T>C), located in coding exon 4 of the MSH6 gene, results from a T to C substitution at nucleotide position 2548. The tyrosine at codon 850 is replaced by histidine, an amino acid with similar properties. This amino acid position is highly conserved in available vertebrate species. In addition, this alteration is predicted to be deleterious by in silico analysis. Since supporting evidence is limited at this time, the clinical significance of this alteration remains unclear.

NM_000179.3(MSH6):c.2548T>C (p.Tyr850His)

Gene: MSH6 (mutS homolog 6; plus strand). Cytogenetic location: 2p16.3.
Variant type: single nucleotide variant.
Coding change: c.2548T>C on transcript NM_000179.3 (MANE Select); coding-DNA position 2548, T replaced by C.
Protein change: p.Tyr850His; replaces tyrosine 850 with histidine.
Molecular consequence: missense variant.
Genome position (GRCh38, 1-based): chr2:47,800,531, T>C. VCF-style: chr2-47800531-T-C. GRCh37 (hg19) VCF-style: chr2-48027670-T-C.
Other names: c.2158T>C, p.Tyr720His (NM_001281492.2); c.1642T>C, p.Tyr548His (NM_001281493.2, NM_001281494.2); short protein forms Y850H, Y548H, Y720H.
Identifiers: ClinVar variation 570125 (VCV000570125.9), dbSNP rs1558665790, ClinGen allele CA346754558.